The following is an entry in ClinVar:

NM_001136152.1(ALG1L2):c.12T>C (p.Thr4=)

Gene: ALG1L2 (ALG1 chitobiosyldiphosphodolichol beta-mannosyltransferase like 2; plus strand). Cytogenetic location: 3q22.1.
Variant type: single nucleotide variant.
Coding change: c.12T>C on transcript NM_001136152.1 (MANE Select); coding-DNA position 12, T replaced by C.
Protein change: p.Thr4=; no amino-acid change (threonine 4 retained).
Molecular consequence: synonymous variant.
Genome position (GRCh38, 1-based): chr3:130,082,028, T>C. VCF-style: chr3-130082028-T-C. GRCh37 (hg19) VCF-style: chr3-129800871-T-C.
Identifiers: ClinVar variation 2654130 (VCV002654130.24), dbSNP rs772308755, ClinGen allele CA2610128.

ClinVar aggregate classification (germline): Likely benign (1 of 4 stars; one submission).

Allele frequency attached by ClinVar (database versions not stated): ExAC 0.00010; gnomAD 0.00034; gnomAD exomes 0.00074.
gnomAD v4.1: 1,057 of 1,509,910 alleles (0.07%); highest among the groups gnomAD compares: Non-Finnish European, 0.09%; 7 homozygotes.

Submission:

CeGaT Center for Human Genetics Tuebingen
Classification: Likely benign. Last evaluated: 2022-06-01. Review status: criteria provided, single submitter. Criteria: CeGaT Center For Human Genetics Tuebingen Variant Classification Criteria Version 2. Collection method: clinical testing. Allele origin: germline. Affected: yes. Observed: 1 variant allele.
Comment: ALG1L2: BP4, BP7